The following is an entry in ClinVar:

ClinVar aggregate classification (germline): Uncertain significance (1 of 4 stars; one submission).

Allele frequency attached by ClinVar (database versions not stated): gnomAD exomes below 0.00001.
gnomAD v4.1: 3 of 1,611,756 alleles (0.00019%); highest among the groups gnomAD compares: Non-Finnish European, 0.00025%; no homozygotes.

Submission:

Labcorp Genetics (formerly Invitae), Labcorp
Classification: Uncertain significance. Last evaluated: 2024-04-22. Review status: criteria provided, single submitter. Criteria: Invitae Variant Classification Sherloc (09022015). Collection method: clinical testing. Allele origin: germline.
Comment: This sequence change replaces arginine, which is basic and polar, with tryptophan, which is neutral and slightly polar, at codon 1140 of the AUTS2 protein (p.Arg1140Trp). This variant is not present in population databases (gnomAD no frequency). This variant has not been reported in the literature in individuals affected with AUTS2-related conditions. Advanced modeling of protein sequence and biophysical properties (such as structural, functional, and spatial information, amino acid conservation, physicochemical variation, residue mobility, and thermodynamic stability) has been performed at Invitae for this missense variant, however the output from this modeling did not meet the statistical confidence thresholds required to predict the impact of this variant on AUTS2 protein function. In summary, the available evidence is currently insufficient to determine the role of this variant in disease. Therefore, it has been classified as a Variant of Uncertain Significance.

NM_015570.4(AUTS2):c.3418C>T (p.Arg1140Trp)

Gene: AUTS2 (activator of transcription and developmental regulator AUTS2; plus strand). Cytogenetic location: 7q11.22.
Variant type: single nucleotide variant.
Coding change: c.3418C>T on transcript NM_015570.4 (MANE Select); coding-DNA position 3418, C replaced by T.
Protein change: p.Arg1140Trp; replaces arginine 1140 with tryptophan.
Molecular consequence: missense variant.
Genome position (GRCh38, 1-based): chr7:70,790,634, C>T. VCF-style: chr7-70790634-C-T. GRCh37 (hg19) VCF-style: chr7-70255620-C-T.
Other names: c.3346C>T, p.Arg1116Trp (NM_001127231.3); short protein forms R1116W, R1140W.
Identifiers: ClinVar variation 2965737 (VCV002965737.3), dbSNP rs2484996023, ClinGen allele CA367666157.